The following is an entry in ClinVar:

NM_000165.5(GJA1):c.301C>A (p.Arg101=)

Gene: GJA1 (gap junction protein alpha 1; plus strand). Cytogenetic location: 6q22.31.
Variant type: single nucleotide variant.
Coding change: c.301C>A on transcript NM_000165.5 (MANE Select); coding-DNA position 301, C replaced by A.
Protein change: p.Arg101=; no amino-acid change (arginine 101 retained).
Molecular consequence: synonymous variant.
Genome position (GRCh38, 1-based): chr6:121,447,148, C>A. VCF-style: chr6-121447148-C-A. GRCh37 (hg19) VCF-style: chr6-121768294-C-A.
Identifiers: ClinVar variation 3251137 (VCV003251137.18), dbSNP rs1278599967.

ClinVar aggregate classification (germline): Likely benign (1 of 4 stars; one submission).

Submission:

CeGaT Center for Human Genetics Tuebingen
Classification: Likely benign. Last evaluated: 2024-06-01. Review status: criteria provided, single submitter. Criteria: CeGaT Center For Human Genetics Tuebingen Variant Classification Criteria Version 2. Collection method: clinical testing. Allele origin: germline. Affected: yes. Observed: 1 variant allele.
Comment: GJA1: PM2:Supporting, BP4, BP7